The following is an entry in ClinVar:

ClinVar aggregate classification (germline): Likely pathogenic (1 of 4 stars; one submission).

Conditions:
Lissencephaly due to TUBA1A mutation (CDCBM16). Also called: CORTICAL DYSPLASIA, COMPLEX, WITH OTHER BRAIN MALFORMATIONS 16; Lissencephaly 3. Identifiers: Orphanet 171680, MedGen C4305153, MONDO:0012703, OMIM 611603.

Submission:

Juno Genomics, Hangzhou Juno Genomics, Inc
Classification: Likely pathogenic for Lissencephaly due to TUBA1A mutation. Review status: criteria provided, single submitter. Criteria: ACMG Guidelines, 2015. Collection method: clinical testing. Allele origin: germline. Affected: yes.
Comment: Absent from controls (or at extremely low frequency if recessive) in Genome Aggregation Database.;De novo (both maternity and paternity confirmed) in a patient with the disease and no family history.;Novel missense change at an amino acid residue where a different missense change determined to be pathogenic has been seen before.;Multiple lines of computational evidence support a deleterious effect on the gene or gene product.;Missense variant in a gene that has a low rate of benign missense variation.

NM_006009.4(TUBA1A):c.1147G>A (p.Ala383Thr)

Gene: TUBA1A (tubulin alpha 1a; minus strand). Cytogenetic location: 12q13.12.
Variant type: single nucleotide variant.
Coding change: c.1147G>A on transcript NM_006009.4 (MANE Select); coding-DNA position 1147, G replaced by A.
Protein change: p.Ala383Thr; replaces alanine 383 with threonine.
Molecular consequence: missense variant.
Genome position (GRCh38, 1-based): chr12:49,185,219, C>T on the plus strand (G>A on the coding strand, the complement: TUBA1A is on the minus strand). VCF-style: chr12-49185219-C-T. GRCh37 (hg19) VCF-style: chr12-49579002-C-T.
Other names: c.1147G>A, p.Ala383Thr (NM_001270399.2); c.1042G>A, p.Ala348Thr (NM_001270400.2); short protein forms A348T, A383T.
Identifiers: ClinVar variation 5007633 (VCV005007633.1).
Genomic context (GRCh38, chr12:49,185,219, plus strand): 5'-CACGTTTGGCATACATCAGGTCAAACTTGTGGTCCAGGCGAGCCCAGGCCTCAGCAATGG[C>T]TGTGGTGTTGCTCAGCATGCACACAGCTCTCTGTACCTTGGCCAGGTCTCCACCAGGCAC-3'
Protein context (NP_006000.2, residues 373-393): RAVCMLSNTT[Ala383Thr]IAEAWARLDH